The following is an entry in ClinVar:

NM_001267550.2(TTN):c.63308T>C (p.Met21103Thr)

Genes: TTN (titin; minus strand), TTN-AS1 (TTN antisense RNA 1; plus strand). Cytogenetic location: 2q31.2.
Variant type: single nucleotide variant.
Coding change: c.63308T>C on transcript NM_001267550.2 (MANE Select); coding-DNA position 63308, T replaced by C.
Protein change: p.Met21103Thr; replaces methionine 21103 with threonine.
Molecular consequence: missense variant.
Genome position (GRCh38, 1-based): chr2:178,588,099, A>G on the plus strand (T>C on the coding strand, the complement: TTN is on the minus strand). VCF-style: chr2-178588099-A-G. GRCh37 (hg19) VCF-style: chr2-179452826-A-G.
Other names: c.58385T>C, p.Met19462Thr (NM_001256850.1); c.36113T>C, p.Met12038Thr (NM_003319.4); c.55604T>C, p.Met18535Thr (NM_133378.4); c.36488T>C, p.Met12163Thr (NM_133432.3); c.36689T>C, p.Met12230Thr (NM_133437.4); short protein forms M12038T, M12163T, M12230T, M18535T, M19462T, M21103T.
Identifiers: ClinVar variation 3896208 (VCV003896208.2).

ClinVar aggregate classification (germline): Uncertain significance (1 of 4 stars; one submission).

gnomAD v4.1: 1 of 1,612,902 alleles (0.000062%); highest among the groups gnomAD compares: Admixed American, 0.0017%; no homozygotes.

Submission:

Women's Health and Genetics/Laboratory Corporation of America, LabCorp
Classification: Uncertain significance. Last evaluated: 2025-04-17. Review status: criteria provided, single submitter. Criteria: LabCorp Variant Classification Summary - May 2015. Collection method: clinical testing. Allele origin: germline.
Comment: Variant summary: TTN c.55604T>C (p.Met18535Thr) results in a non-conservative amino acid change in the encoded protein sequence. Two of four in-silico tools predict a benign effect of the variant on protein function. The variant allele was found at a frequency of 4e-06 in 248072 control chromosomes (gnomAD). The available data on variant occurrences in the general population are insufficient to allow any conclusion about variant significance. To our knowledge, no occurrence of c.55604T>C in individuals affected with Autosomal Recessive Titinopathy and no experimental evidence demonstrating its impact on protein function have been reported. No submitters have cited clinical-significance assessments for this variant to ClinVar. Based on the evidence outlined above, the variant was classified as uncertain significance.